The following is an entry in ClinVar:

NM_000260.4(MYO7A):c.6025G>A (p.Ala2009Thr)

Gene: MYO7A (myosin VIIA; plus strand). Cytogenetic location: 11q13.5.
Variant type: single nucleotide variant.
Coding change: c.6025G>A on transcript NM_000260.4 (MANE Select); coding-DNA position 6025, G replaced by A.
Protein change: p.Ala2009Thr; replaces alanine 2009 with threonine.
Molecular consequence: missense variant.
Genome position (GRCh38, 1-based): chr11:77,208,777, G>A. VCF-style: chr11-77208777-G-A. GRCh37 (hg19) VCF-style: chr11-76919822-G-A.
Other names: c.5911G>A, p.Ala1971Thr (NM_001127180.2); c.5878G>A, p.Ala1960Thr (NM_001369365.1); short protein forms A2009T, A1960T, A1971T.
Identifiers: ClinVar variation 43312 (VCV000043312.14), dbSNP rs397516325, ClinGen allele CA132414.

ClinVar aggregate classification (germline): Likely pathogenic. Review status: criteria provided, multiple submitters, no conflicts (2 of 4 stars). 3 submissions from 3 submitters: Likely pathogenic (2). 1 of the submissions does not count toward it. Last evaluated 2024-10-30.

Conditions:
Usher syndrome type 1B (USH1B). Also called: Usher syndrome type IB. Identifiers: MedGen C1848638, MONDO:0700087.

Allele frequency attached by ClinVar (database versions not stated): gnomAD exomes below 0.00001.
gnomAD v4.1: 4 of 1,572,712 alleles (0.00025%); highest among the groups gnomAD compares: Middle Eastern, 0.033%; no homozygotes.

Submissions (3):

Natera, Inc.
Classification: Likely pathogenic for Usher syndrome type 1B. Last evaluated: 2024-10-30. Review status: criteria provided, single submitter. Criteria: Natera Variant Classification Schema (03/2026). Collection method: clinical testing. Allele origin: germline.
Comment: The c.6025G>A variant in MYO7A is a missense variant predicted to cause substitution of alanine to threonine at amino acid 2009. This variant is rare in the general population with a frequency below the threshold expected for the associated phenotype(s). This variant has been observed in one or more individuals affected with the associated recessive disease, as either homozygous or compound heterozygous with a second variant (PMID: 33089500, 27460420). Computational prediction algorithms indicate this variant is likely to affect gene or protein function. Given the available evidence, this variant is classified as Likely Pathogenic.

Labcorp Genetics (formerly Invitae), Labcorp
Classification: Likely pathogenic. Last evaluated: 2024-02-23. Review status: criteria provided, single submitter. Criteria: Invitae Variant Classification Sherloc (09022015). Collection method: clinical testing. Allele origin: germline.
Comment: This sequence change replaces alanine, which is neutral and non-polar, with threonine, which is neutral and polar, at codon 2009 of the MYO7A protein (p.Ala2009Thr). The frequency data for this variant in the population databases is considered unreliable, as metrics indicate poor data quality at this position in the gnomAD database. This missense change has been observed in individuals with autosomal recessive deafness and/or Usher syndrome (PMID: 26226137, 27460420, 33089500; Invitae). ClinVar contains an entry for this variant (Variation ID: 43312). Advanced modeling of protein sequence and biophysical properties (such as structural, functional, and spatial information, amino acid conservation, physicochemical variation, residue mobility, and thermodynamic stability) performed at Invitae indicates that this missense variant is not expected to disrupt MYO7A protein function with a negative predictive value of 95%. This variant disrupts the p.Ala2009 amino acid residue in MYO7A. Other variant(s) that disrupt this residue have been determined to be pathogenic (Invitae). This suggests that this residue is clinically significant, and that variants that disrupt this residue are likely to be disease-causing. In summary, the currently available evidence indicates that the variant is pathogenic, but additional data are needed to prove that conclusively. Therefore, this variant has been classified as Likely Pathogenic.

Laboratory for Molecular Medicine, Mass General Brigham Personalized Medicine
Classification: Uncertain significance. Last evaluated: 2012-12-20. Review status: flagged submission. Criteria: LMM Criteria. Collection method: clinical testing. Allele origin: germline. Observed: 1 variant allele. Not counted in ClinVar's aggregate classification.
Comment: The Ala2009Thr variant in MYO7A has not been reported in the literature nor prev iously identified by our laboratory. Computational analyses (biochemical amino a cid properties, conservation, AlignGVGD, PolyPhen2, and SIFT) suggest that the A la2009Thr variant may impact the protein, though this information is not predict ive enough to determine pathogenicity.
ClinVar note: Reason: Older claim that does not account for recent evidence

Literature cited by the submitters: PubMed 33089500 (cited by Natera, Inc. and Labcorp Genetics (formerly Invitae), Labcorp); PubMed 27460420 (cited by Natera, Inc. and Labcorp Genetics (formerly Invitae), Labcorp); PubMed 26226137 (cited by Labcorp Genetics (formerly Invitae), Labcorp).